The following is an entry in ClinVar:

ClinVar aggregate classification (germline): Benign. Review status: criteria provided, multiple submitters, no conflicts (2 of 4 stars). 2 submissions from 2 submitters: Benign (2). Last evaluated 2018-06-14.

Allele frequency attached by ClinVar (database versions not stated): 1000 Genomes Project 0.31669; 1000 Genomes Project 30x 0.31996; gnomAD exomes 0.34179; gnomAD 0.34931 and 0.35324; TOPMed 0.35454.
gnomAD v4.1: 451,181 of 1,314,230 alleles (34%); highest among the groups gnomAD compares: African/African-American, 36%; 78,279 homozygotes.

Submissions (2):

GeneDx
Classification: Benign. Last evaluated: 2018-06-14. Review status: criteria provided, single submitter. Criteria: GeneDx Variant Classification (06012015). Collection method: clinical testing. Allele origin: germline. Affected: yes.
Comment: This variant is considered likely benign or benign based on one or more of the following criteria: it is a conservative change, it occurs at a poorly conserved position in the protein, it is predicted to be benign by multiple in silico algorithms, and/or has population frequency not consistent with disease.

Breakthrough Genomics
Classification: Benign. Review status: criteria provided, single submitter. Criteria: ACMG Guidelines, 2015. Collection method: not provided. Allele origin: germline. Inheritance: Autosomal dominant inheritance. Affected: yes.

NM_174934.4(SCN4B):c.464-113C>T

Gene: SCN4B (sodium voltage-gated channel beta subunit 4; minus strand). Cytogenetic location: 11q23.3.
Variant type: single nucleotide variant.
Coding change: c.464-113C>T on transcript NM_174934.4 (MANE Select); 113 bases into the intron before coding-DNA position 464, C replaced by T.
Molecular consequence: intron variant.
Genome position (GRCh38, 1-based): chr11:118,141,449, G>A on the plus strand (C>T on the coding strand, the complement: SCN4B is on the minus strand). VCF-style: chr11-118141449-G-A. GRCh37 (hg19) VCF-style: chr11-118012164-G-A.
Other names: c.62-113C>T (NM_001142348.2); c.134-113C>T (NM_001142349.2).
Identifiers: ClinVar variation 671914 (VCV000671914.2), dbSNP rs656445, ClinGen allele CA13493434.